The following is an entry in ClinVar:

NM_015506.3(MMACHC):c.481C>T (p.Arg161Ter)

Gene: MMACHC (metabolism of cobalamin associated C; plus strand). Cytogenetic location: 1p34.1.
Variant type: single nucleotide variant.
Coding change: c.481C>T on transcript NM_015506.3 (MANE Select); coding-DNA position 481, C replaced by T.
Protein change: p.Arg161Ter; replaces arginine 161 with a stop codon.
Molecular consequence: nonsense.
Genome position (GRCh38, 1-based): chr1:45,508,847, C>T. VCF-style: chr1-45508847-C-T. GRCh37 (hg19) VCF-style: chr1-45974519-C-T.
Other names: c.310C>T, p.Arg104Ter (NM_001330540.2); short protein forms R161*, R104*.
Identifiers: ClinVar variation 95703 (VCV000095703.37), dbSNP rs370596113, ClinGen allele CA223189.

ClinVar aggregate classification (germline): Pathogenic/Likely pathogenic. Review status: criteria provided, multiple submitters, no conflicts (2 of 4 stars). 15 submissions from 15 submitters: Pathogenic (12); Likely pathogenic (1). 2 of the submissions do not count toward it. Last evaluated 2026-08-06.

Conditions:
MMACHC-related disorder. Also called: MMACHC-related condition.
Cobalamin C disease. Also called: Methylmalonic aciduria with homocystinuria cblC type; methylmalonic aciduria and homocystinuria type cblC; Cobalamin-C methylmalonic acidemia and homocystinuria; Methylmalonic acidemia and homocystinuria cblC type; Methylmalonic aciduria and homocystinuria, Vitamin B12-responsive; Vitamin B12 metabolic defect with combined deficiency of methylmalonyl-CoA mutase and homocysteine:methyltetrahydrofolate methyltransferase. Identifiers: Orphanet 26, Orphanet 79282, MedGen C1848561, MONDO:0010184, OMIM 277400.

Allele frequency attached by ClinVar (database versions not stated): TOPMed 0.00002; gnomAD 0.00006; ESP Exome Variant Server 0.00008.
gnomAD v4.1: 28 of 1,614,020 alleles (0.0017%); highest among the groups gnomAD compares: African/African-American, 0.017%; no homozygotes.

Submissions (15):

OLLIN Analises Genomicas, OLLIN
Classification: Pathogenic for Cobalamin C disease. Last evaluated: 2026-08-06. Review status: criteria provided, single submitter. Criteria: ACMG Guidelines 2015 PMID 25741868. Collection method: clinical testing. Allele origin: germline. Inheritance: Autosomal recessive inheritance.
Comment: This nonsense variant, located in exon 4 (of 4), has been reported in ClinVar (accession VCV000702994.20), in gnomAD with an allele frequency of 0.0017%, and in the scientific literature, in compound heterozygosity, in individuals with MMACHC related disorders (PMID: 16311595, 19370762, 23954310, 28693988, 40355523, 39027567, 39152755, 38778310, 38750596, 31137025, 28835862, 28151490, 33691766, 33562640, 36847978). This variant introduces a premature stop codon, which is predicted to result in either a truncated protein or degradation of the mRNA via nonsense-mediated decay (NMD). According to the currently available evidence, this variant has been classified as pathogenic (PVS1_S, PS4, PM2_P, PM3_VS).

Labcorp Genetics (formerly Invitae), Labcorp
Classification: Pathogenic for Cobalamin C disease. Last evaluated: 2026-01-22. Review status: criteria provided, single submitter. Criteria: Invitae Variant Classification Sherloc (09022015). Collection method: clinical testing. Allele origin: germline.
Comment: This sequence change creates a premature translational stop signal (p.Arg161*) in the MMACHC gene. While this is not anticipated to result in nonsense mediated decay, it is expected to disrupt the last 122 amino acid(s) of the MMACHC protein. This variant is present in population databases (rs370596113, gnomAD 0.008%). This premature translational stop signal has been observed in individual(s) with methylmalonic aciduria and homocystinuria (PMID: 16311595, 20631720). ClinVar contains an entry for this variant (Variation ID: 95703). Algorithms developed to predict the effect of sequence changes on RNA splicing suggest that this variant may disrupt the consensus splice site. This variant disrupts a region of the MMACHC protein in which other variant(s) (p.Val183Thrfs*5) have been determined to be pathogenic (PMID: 16311595, 19370762, 23954310). This suggests that this is a clinically significant region of the protein, and that variants that disrupt it are likely to be disease-causing. For these reasons, this variant has been classified as Pathogenic.

Natera, Inc.
Classification: Pathogenic for Methylmalonic aciduria and homocystinuria cblC type. Last evaluated: 2025-07-31. Review status: criteria provided, single submitter. Criteria: Natera Variant Classification Schema (03/2026). Collection method: clinical testing. Allele origin: germline.
Comment: The c.481C>T variant in MMACHC is a nonsense variant predicted to introduce a stop codon at amino acid 161. This variant is expected to result in nonsense mediated decay, truncation, or a dysfunctional protein product. This variant is rare in the general population with a frequency below the threshold expected for the associated phenotype(s). This variant has been observed in one or more individuals affected with the associated recessive disease, as either homozygous or compound heterozygous with a second variant (PMID: 19370762). Given the available evidence, this variant is classified as Pathogenic.

GeneDx
Classification: Pathogenic. Last evaluated: 2025-05-22. Review status: criteria provided, single submitter. Criteria: GeneDx Variant Classification Process June 2021. Collection method: clinical testing. Allele origin: germline. Affected: yes.
Comment: Nonsense variant predicted to result in protein truncation, as the last 122 amino acids are lost, and other loss-of-function variants have been reported downstream in HGMD; Not observed at significant frequency in large population cohorts (gnomAD); This variant is associated with the following publications: (PMID: 27289364, 19370762, 18164228, 28071971, 28693988, 20696242, 16311595, 20631720, 19760748, 17853453, 16714133, 33691766, 30157807, 31137025, 31503356, 32778825, 34215320, 32005694, 35361390, 36184083)

Women's Health and Genetics/Laboratory Corporation of America, LabCorp
Classification: Pathogenic for Cobalamin C disease. Last evaluated: 2025-03-05. Review status: criteria provided, single submitter. Criteria: LabCorp Variant Classification Summary - May 2015. Collection method: clinical testing. Allele origin: germline.
Comment: Variant summary: MMACHC c.481C>T (p.Arg161X) results in a premature termination codon, predicted to cause a truncation of the encoded protein or absence of the protein due to nonsense mediated decay, which are commonly known mechanisms for disease. The variant allele was found at a frequency of 2e-05 in 249386 control chromosomes. c.481C>T has been reported in the literature in multiple individuals affected with Cobalamin C Disease (Methylmalonic Aciduria With Homocystinuria) (e.g., Lerner-Ellis_2006, Nogueira_2008, Liu_2010). The following publications have been ascertained in the context of this evaluation (PMID: 16311595, 18164228, 20631720). ClinVar contains an entry for this variant (Variation ID: 95703). Based on the evidence outlined above, the variant was classified as pathogenic.

Mayo Clinic Laboratories, Mayo Clinic
Classification: Pathogenic. Last evaluated: 2025-01-31. Review status: criteria provided, single submitter. Criteria: ACMG Guidelines, 2015. Collection method: clinical testing. Allele origin: germline. Observed: 1 variant allele.
Comment: PP4, PM3_very_strong, PS4, PVS1

Blueprint Genetics
Classification: Pathogenic for MMACHC-related disorders. Last evaluated: 2023-04-25. Review status: criteria provided, single submitter. Criteria: ACMG Guidelines, 2015. Collection method: clinical testing. Allele origin: germline. Affected: yes. Observed: 5 variant alleles.

Genome-Nilou Lab
Classification: Pathogenic for Cobalamin C disease. Last evaluated: 2023-04-11. Review status: criteria provided, single submitter. Criteria: ACMG Guidelines, 2015. Collection method: clinical testing. Allele origin: germline. Affected: no.

Laboratorio de Genetica e Diagnostico Molecular, Hospital Israelita Albert Einstein
Classification: Pathogenic for Cobalamin C disease. Last evaluated: 2022-08-05. Review status: criteria provided, single submitter. Criteria: ACMG Guidelines, 2015. Collection method: clinical testing. Allele origin: germline. Affected: yes. Observed: 1 variant allele.
Comment: ACMG classification criteria: PVS1 strong, PS4 strong, PM2 supporting, PM3 very strong

Fulgent Genetics
Classification: Pathogenic for Cobalamin C disease. Last evaluated: 2021-06-30. Review status: criteria provided, single submitter. Criteria: ACMG Guidelines, 2015. Collection method: clinical testing. Allele origin: unknown.
Comment: This variant has been detected in individual(s) who were sent for testing of Renasight - kidney gene panel.

Eurofins Ntd Llc (ga)
Classification: Pathogenic. Last evaluated: 2013-06-06. Review status: criteria provided, single submitter. Criteria: EGL Classification Definitions. Collection method: clinical testing. Allele origin: germline. Observed: 1 variant allele, 1 heterozygote.

Juno Genomics, Hangzhou Juno Genomics, Inc
Classification: Pathogenic for Cobalamin C disease. Review status: criteria provided, single submitter. Criteria: ACMG Guidelines, 2015. Collection method: clinical testing. Allele origin: germline.
Comment: Absent from controls (or at extremely low frequency if recessive) in Genome Aggregation Database.;Null variant in a gene where loss of function (LOF) is a known mechanism of disease.;For recessive disorders, detected in trans with a pathogenic variant.;Patient's phenotype or family history is highly specific for a disease with a single genetic etiology.

Kariminejad - Najmabadi Pathology & Genetics Center
Classification: Likely pathogenic for Cobalamin C disease. Review status: criteria provided, single submitter. Criteria: ACMG Guidelines, 2015. Collection method: clinical testing. Allele origin: germline. Affected: no.

PreventionGenetics, part of Exact Sciences
Classification: Pathogenic for MMACHC-related condition. Last evaluated: 2024-05-10. Review status: no assertion criteria provided. Collection method: clinical testing. Allele origin: germline. Not counted in ClinVar's aggregate classification.
Comment: The MMACHC c.481C>T variant is predicted to result in premature protein termination (p.Arg161*). This variant has been reported to be causative for methylmalonic aciduria and homocystinuria (Lerner-Ellis et al. 2006. PubMed ID: 16311595; Nogueira et al. 2008. PubMed ID: 18164228; Liu et al. 2010. PubMed ID: 20631720). This variant is reported in 0.012% of alleles in individuals of African descent in gnomAD. Nonsense variants in MMACHC are expected to be pathogenic. This variant is interpreted as pathogenic.

Counsyl
Classification: Pathogenic for Cobalamin C disease. Last evaluated: 2016-11-02. Review status: no assertion criteria provided. Collection method: clinical testing. Allele origin: unknown. Not counted in ClinVar's aggregate classification.

Literature cited by the submitters: PubMed 16311595 (cited by 4 submitters); PubMed 19370762 (cited by 4 submitters); PubMed 23954310 (cited by OLLIN Analises Genomicas, OLLIN and Labcorp Genetics (formerly Invitae), Labcorp); PubMed 28693988 (cited by OLLIN Analises Genomicas, OLLIN); PubMed 40355523 (cited by OLLIN Analises Genomicas, OLLIN); PubMed 39027567 (cited by OLLIN Analises Genomicas, OLLIN); PubMed 39152755 (cited by OLLIN Analises Genomicas, OLLIN); PubMed 38778310 (cited by OLLIN Analises Genomicas, OLLIN); PubMed 38750596 (cited by OLLIN Analises Genomicas, OLLIN); PubMed 31137025 (cited by OLLIN Analises Genomicas, OLLIN and Mayo Clinic Laboratories, Mayo Clinic); PubMed 28835862 (cited by OLLIN Analises Genomicas, OLLIN); PubMed 28151490 (cited by OLLIN Analises Genomicas, OLLIN); PubMed 33691766 (cited by OLLIN Analises Genomicas, OLLIN and Mayo Clinic Laboratories, Mayo Clinic); PubMed 33562640 (cited by OLLIN Analises Genomicas, OLLIN); PubMed 36847978 (cited by OLLIN Analises Genomicas, OLLIN); PubMed 20631720 (cited by 3 submitters); PubMed 18164228 (cited by Women's Health and Genetics/Laboratory Corporation of America, LabCorp); PubMed 19760748 (cited by Mayo Clinic Laboratories, Mayo Clinic); PubMed 30157807 (cited by Mayo Clinic Laboratories, Mayo Clinic); PubMed 31503356 (cited by Mayo Clinic Laboratories, Mayo Clinic); PubMed 32005694 (cited by Mayo Clinic Laboratories, Mayo Clinic); PubMed 32778825 (cited by Mayo Clinic Laboratories, Mayo Clinic); PubMed 34215320 (cited by Mayo Clinic Laboratories, Mayo Clinic); PubMed 35361390 (cited by Mayo Clinic Laboratories, Mayo Clinic).